The following is an entry in ClinVar:

ClinVar aggregate classification (germline): Uncertain significance. Review status: criteria provided, multiple submitters, no conflicts (2 of 4 stars). 4 submissions from 4 submitters: Uncertain significance (4). Last evaluated 2024-12-09.

Conditions:
Lynch syndrome. Identifiers: Orphanet 144, MedGen C4552100, MONDO:0005835. Disease mechanism: loss of function.
Hereditary cancer-predisposing syndrome. Also called: Tumor predisposition; Hereditary neoplastic syndrome; Neoplastic Syndromes, Hereditary; Hereditary Cancer Syndrome. Identifiers: Orphanet 140162, MedGen C0027672, MeSH D009386, MONDO:0015356.
Hereditary nonpolyposis colorectal neoplasms. Identifiers: MedGen C0009405, MeSH D003123.

Allele frequency attached by ClinVar (database versions not stated): gnomAD exomes below 0.00001; gnomAD 0.00001.

Submissions (4):

Ambry Genetics
Classification: Uncertain significance for Hereditary cancer-predisposing syndrome. Last evaluated: 2024-12-09. Review status: criteria provided, single submitter. Criteria: Ambry Variant Classification Scheme 2023. Collection method: clinical testing. Allele origin: germline.
Comment: The p.G529S variant (also known as c.1585G>A), located in coding exon 4 of the MSH6 gene, results from a G to A substitution at nucleotide position 1585. The glycine at codon 529 is replaced by serine, an amino acid with similar properties. This amino acid position is highly conserved in available vertebrate species. In addition, the in silico prediction for this alteration is inconclusive. Since supporting evidence is limited at this time, the clinical significance of this alteration remains unclear.

All of Us Research Program, National Institutes of Health
Classification: Uncertain significance for Lynch syndrome. Last evaluated: 2023-02-24. Review status: criteria provided, single submitter. Criteria: ACMG Guidelines, 2015. Collection method: clinical testing. Allele origin: germline. Inheritance: Autosomal dominant inheritance. Observed: 1 variant allele, 1 heterozygote.
Comment: This missense variant replaces glycine with serine at codon 529 of the MSH6 protein. Computational prediction suggests that this variant may not impact protein structure and function (internally defined REVEL score threshold <= 0.5, PMID: 27666373). To our knowledge, functional studies have not been reported for this variant. This variant has not been reported in individuals affected with MSH6-related disorders in the literature. This variant has been identified in 1/31398 chromosomes in the general population by the Genome Aggregation Database (gnomAD). The available evidence is insufficient to determine the role of this variant in disease conclusively. Therefore, this variant is classified as a Variant of Uncertain Significance.

This study involves interpretation of variants in research participants for the purpose of population health screening. Participant phenotype was not available at the time of variant classification. Additional details can be found in publication PMID: 35346344, PMCID: PMC8962531

Labcorp Genetics (formerly Invitae), Labcorp
Classification: Uncertain significance for Hereditary nonpolyposis colorectal neoplasms. Last evaluated: 2019-11-17. Review status: criteria provided, single submitter. Criteria: Invitae Variant Classification Sherloc (09022015). Collection method: clinical testing. Allele origin: germline.
Comment: In summary, the available evidence is currently insufficient to determine the role of this variant in disease. Therefore, it has been classified as a Variant of Uncertain Significance. Algorithms developed to predict the effect of missense changes on protein structure and function are either unavailable or do not agree on the potential impact of this missense change (SIFT: "Tolerated"; PolyPhen-2: "Probably Damaging"; Align-GVGD: "Class C0"). This variant has been reported in individuals in the Universal Mutation Database (PMID: 10612827) This variant is not present in population databases (ExAC no frequency). This sequence change replaces glycine with serine at codon 529 of the MSH6 protein (p.Gly529Ser). The glycine residue is highly conserved and there is a small physicochemical difference between glycine and serine.

Genetic Services Laboratory, University of Chicago
Classification: Uncertain significance. Last evaluated: 2017-12-01. Review status: criteria provided, single submitter. Criteria: ACMG Guidelines, 2015. Collection method: clinical testing. Allele origin: germline. Affected: no.

Literature cited by the submitters: PubMed 10612827 (cited by Labcorp Genetics (formerly Invitae), Labcorp).

NM_000179.3(MSH6):c.1585G>A (p.Gly529Ser)

Gene: MSH6 (mutS homolog 6; plus strand). Cytogenetic location: 2p16.3.
Variant type: single nucleotide variant.
Coding change: c.1585G>A on transcript NM_000179.3 (MANE Select); coding-DNA position 1585, G replaced by A.
Protein change: p.Gly529Ser; replaces glycine 529 with serine.
Molecular consequence: missense variant.
Genome position (GRCh38, 1-based): chr2:47,799,568, G>A. VCF-style: chr2-47799568-G-A. GRCh37 (hg19) VCF-style: chr2-48026707-G-A.
Other names: c.1195G>A, p.Gly399Ser (NM_001281492.2); c.679G>A, p.Gly227Ser (NM_001281493.2, NM_001281494.2); short protein forms G529S, G399S, G227S.
Identifiers: ClinVar variation 846570 (VCV000846570.18), dbSNP rs1457286684, ClinGen allele CA346746877.